The following is an entry in ClinVar:

NM_173630.4(RTTN):c.5850C>T (p.Val1950=)

Gene: RTTN (rotatin; minus strand). Cytogenetic location: 18q22.2.
Variant type: single nucleotide variant.
Coding change: c.5850C>T on transcript NM_173630.4 (MANE Select); coding-DNA position 5850, C replaced by T.
Protein change: p.Val1950=; no amino-acid change (valine 1950 retained).
Molecular consequence: synonymous variant.
Genome position (GRCh38, 1-based): chr18:70,024,822, G>A on the plus strand (C>T on the coding strand, the complement: RTTN is on the minus strand). VCF-style: chr18-70024822-G-A. GRCh37 (hg19) VCF-style: chr18-67692058-G-A.
Other names: c.3114C>T, p.Val1038= (NM_001318520.2).
Identifiers: ClinVar variation 796899 (VCV000796899.35), dbSNP rs370480126, ClinGen allele CA8994824.
Genomic context (GRCh38, chr18:70,024,822, plus strand): 5'-AGAAATTTGCATCAATGAATCATCCATCAAAATCCAAGGCCAGAGAGAGTGCAAGACAGG[G>A]ACAAGGTGAGCTTCAAGAGCTGCTTCCTGTTGAAGGAAGGGAAAAAGACAGCATTAGTCT-3'
Protein context (NP_775901.3, residues 1940-1960): CKEAALEAHL[Val1950=]PVLHSLWPWI

ClinVar aggregate classification (germline): Likely benign. Review status: criteria provided, multiple submitters, no conflicts (2 of 4 stars). 3 submissions from 3 submitters: Likely benign (3). Last evaluated 2026-01-07.

Allele frequency attached by ClinVar (database versions not stated): gnomAD exomes 0.00009; ExAC 0.00010; gnomAD 0.00011 and 0.00012; ESP Exome Variant Server 0.00016; TOPMed 0.00019.
gnomAD v4.1: 155 of 1,613,786 alleles (0.0096%); highest among the groups gnomAD compares: Non-Finnish European, 0.011%; no homozygotes.

Submissions (3):

Labcorp Genetics (formerly Invitae), Labcorp
Classification: Likely benign. Last evaluated: 2026-01-07. Review status: criteria provided, single submitter. Criteria: Invitae Variant Classification Sherloc (09022015). Collection method: clinical testing. Allele origin: germline.

CeGaT Center for Human Genetics Tuebingen
Classification: Likely benign. Last evaluated: 2025-06-01. Review status: criteria provided, single submitter. Criteria: CeGaT Center For Human Genetics Tuebingen Variant Classification Criteria Version 2. Collection method: clinical testing. Allele origin: germline. Affected: yes. Observed: 3 variant alleles.
Comment: RTTN: BP4, BP7

GeneDx
Classification: Likely benign. Last evaluated: 2018-12-12. Review status: criteria provided, single submitter. Criteria: GeneDx Variant Classification Process June 2021. Collection method: clinical testing. Allele origin: germline. Affected: yes.